The following is an entry in ClinVar:

ClinVar aggregate classification (germline): Benign/Likely benign. Review status: criteria provided, multiple submitters, no conflicts (2 of 4 stars). 10 submissions from 10 submitters: Benign (4); Likely benign (4). 2 of the submissions do not count toward it. Last evaluated 2026-02-02.

Conditions:
ATM-related disorder. Also called: ATM-related disorders; ATM-related condition.
Hereditary cancer-predisposing syndrome. Also called: Tumor predisposition; Hereditary neoplastic syndrome; Neoplastic Syndromes, Hereditary; Hereditary Cancer Syndrome. Identifiers: Orphanet 140162, MedGen C0027672, MeSH D009386, MONDO:0015356.
Ataxia-telangiectasia syndrome (AT). Also called: Ataxia telangiectasia (A-T); Cerebello-oculocutaneous telangiectasia; Immunodeficiency with ataxia telangiectasia; Ataxia-telangiectasia, complementation group D; AT, COMPLEMENTATION GROUP C; ATAXIA-TELANGIECTASIA, COMPLEMENTATION GROUP A. Identifiers: Orphanet 100, MedGen C0004135, MONDO:0008840, OMIM 208900.
Familial cancer of breast. Also called: Hereditary breast cancer; BREAST CANCER, FAMILIAL; hereditary breast carcinoma. Identifiers: Orphanet 227535, MedGen C0346153, MONDO:0016419, OMIM 114480. Disease mechanism: loss of function.

Allele frequency attached by ClinVar (database versions not stated): gnomAD 0.00008 and 0.00010; gnomAD exomes 0.00008 and 0.00035; TOPMed 0.00017; ExAC 0.00034.
gnomAD v4.1: 137 of 1,605,060 alleles (0.0085%); highest among the groups gnomAD compares: East Asian, 0.28%; 2 homozygotes.

Submissions (10):

Labcorp Genetics (formerly Invitae), Labcorp
Classification: Benign for Ataxia-telangiectasia syndrome. Last evaluated: 2026-02-02. Review status: criteria provided, single submitter. Criteria: Invitae Variant Classification Sherloc (09022015). Collection method: clinical testing. Allele origin: germline.

Center for Genomic Medicine, Rigshospitalet, Copenhagen University Hospital
Classification: Likely benign. Last evaluated: 2025-03-04. Review status: criteria provided, single submitter. Criteria: ACMG Guidelines, 2015. Collection method: clinical testing. Allele origin: germline.

Myriad Genetics, Inc.
Classification: Likely benign for Familial cancer of breast. Last evaluated: 2024-05-09. Review status: criteria provided, single submitter. Criteria: Myriad Autosomal Dominant, Autosomal Recessive and X-Linked Classification Criteria (2023). Collection method: clinical testing. Allele origin: unknown.
Comment: This variant is considered likely benign. This variant is intronic and is not expected to impact mRNA splicing.

Blueprint Genetics
Classification: Likely benign. Last evaluated: 2023-03-20. Review status: criteria provided, single submitter. Criteria: ACMG Guidelines, 2015. Collection method: clinical testing. Allele origin: germline.

Sema4
Classification: Benign for Hereditary cancer-predisposing syndrome. Last evaluated: 2021-01-01. Review status: criteria provided, single submitter. Criteria: Sema4 Curation Guidelines. Collection method: curation. Allele origin: germline.

Women's Health and Genetics/Laboratory Corporation of America, LabCorp
Classification: Benign. Last evaluated: 2018-09-07. Review status: criteria provided, single submitter. Criteria: LabCorp Variant Classification Summary - May 2015. Collection method: clinical testing. Allele origin: germline.
Comment: Variant summary: ATM c.2466+7A>G alters a non-conserved nucleotide located close to a canonical splice site and therefore could affect mRNA splicing, leading to a significantly altered protein sequence. 5/5 computational tools predict no significant impact on normal splicing. However, these predictions have yet to be confirmed by functional studies. The variant allele was found at a frequency of 0.00032 in 275780 control chromosomes, predominantly at a frequency of 0.0046 within the East Asian subpopulation in the gnomAD database. The observed variant frequency within East Asian control individuals in the gnomAD database is approximately 4.6 fold of the estimated maximal expected allele frequency for a pathogenic variant in ATM causing Breast Cancer phenotype (0.001), strongly suggesting that the variant is a benign polymorphism found primarily in populations of East Asian origin. To our knowledge, no occurrence of c.2466+7A>G in individuals affected with Breast Cancer and no experimental evidence demonstrating its impact on protein function have been reported. One clinical diagnostic laboratory has submitted clinical-significance assessments for this variant to ClinVar after 2014 without evidence for independent evaluation. One laboratory classified the variant as benign/likely benign. Based on the evidence outlined above, the variant was classified as benign.

GeneDx
Classification: Benign. Last evaluated: 2014-01-30. Review status: criteria provided, single submitter. Criteria: GeneDx Variant Classification (06012015). Collection method: clinical testing. Allele origin: germline. Affected: yes.
Comment: This variant is considered likely benign or benign based on one or more of the following criteria: it is a conservative change, it occurs at a poorly conserved position in the protein, it is predicted to be benign by multiple in silico algorithms, and/or has population frequency not consistent with disease.

Color Diagnostics, LLC DBA Color Health
Classification: Likely benign for Hereditary cancer-predisposing syndrome. Review status: criteria provided, single submitter. Criteria: ACMG Guidelines, 2015. Collection method: clinical testing. Allele origin: germline.

PreventionGenetics, part of Exact Sciences
Classification: Likely benign for ATM-related condition. Last evaluated: 2019-12-13. Review status: no assertion criteria provided. Collection method: clinical testing. Allele origin: germline. Not counted in ClinVar's aggregate classification.
Comment: This variant is classified as likely benign based on ACMG/AMP sequence variant interpretation guidelines (Richards et al. 2015 PMID: 25741868, with internal and published modifications).

Department of Pathology and Laboratory Medicine, Sinai Health System
Classification: Likely benign. Review status: no assertion criteria provided. Collection method: clinical testing. Allele origin: unknown. Affected: yes. Study: The Canadian Open Genetics Repository (COGR). Not counted in ClinVar's aggregate classification.
Comment: The ATM c.2466+7A>G variant was not identified in the literature nor was it identified in the following databases: GeneInsight-COGR, Cosmic, MutDB, or LOVD 3.0. The variant was identified in dbSNP (ID: rs55812024) as "With Benign allele", ClinVar (1x benign, 1x likely benign), and Clinvitae databases. The variant was identified in control databases in 89 of 275780 chromosomes at a frequency of 0.0003 (Genome Aggregation Database Feb 27, 2017). Breakdown of the observations by population include Latino in 3 of 34346 chromosomes (freq: 0.00009) and East Asian in 86 of 18806 chromosomes (freq: 0.005), while the variant was not observed in the African, Other, European, Ashkenazi Jewish, Finnish, or South Asian populations. The variant occurs outside of the splicing consensus sequence and 1 of 5 in silico or computational prediction software programs (SpliceSiteFinder, MaxEntScan, NNSPLICE, GeneSplicer, HumanSpliceFinder) predict a greater than 10% difference in splicing; this is not very predictive of pathogenicity. In summary, based on the above information the clinical significance of this variant cannot be determined with certainty at this time although we would lean towards a more benign role for this variant. This variant is classified as likely benign.

NM_000051.4(ATM):c.2466+7A>G

Gene: ATM (ATM serine/threonine kinase; plus strand). Cytogenetic location: 11q22.3.
Variant type: single nucleotide variant.
Coding change: c.2466+7A>G on transcript NM_000051.4 (MANE Select); 7 bases into the intron after coding-DNA position 2466, A replaced by G.
Molecular consequence: intron variant.
Genome position (GRCh38, 1-based): chr11:108,259,082, A>G. VCF-style: chr11-108259082-A-G. GRCh37 (hg19) VCF-style: chr11-108129809-A-G.
Other names: c.2466+7A>G (NM_001351834.2).
Identifiers: ClinVar variation 136437 (VCV000136437.30), dbSNP rs55812024, ClinGen allele CA289547.